The following is an entry in ClinVar:

ClinVar aggregate classification (germline): Uncertain significance. Review status: criteria provided, multiple submitters, no conflicts (2 of 4 stars). 3 submissions from 3 submitters: Uncertain significance (3). Last evaluated 2024-10-03.

Conditions:
Intellectual developmental disorder, autosomal recessive 69 (NEDMCB). Also called: NEURODEVELOPMENTAL DISORDER WITH PROGRESSIVE MOVEMENT ABNORMALITIES, COGNITIVE DECLINE, AND BRAIN ABNORMALITIES. Identifiers: Orphanet 699835, MedGen C5193067, MONDO:0032715, OMIM 618383.

Allele frequency attached by ClinVar (database versions not stated): ESP Exome Variant Server 0.00015; gnomAD 0.00016; TOPMed 0.00020; gnomAD exomes 0.00022 and 0.00026; ExAC 0.00026.

Submissions (3):

Blueprint Genetics
Classification: Uncertain significance. Last evaluated: 2024-10-03. Review status: criteria provided, single submitter. Criteria: ACMG Guidelines, 2015. Collection method: clinical testing. Allele origin: germline.

Genomic Medicine Center of Excellence, King Faisal Specialist Hospital and Research Centre
Classification: Uncertain significance for Intellectual developmental disorder, autosomal recessive 69. Last evaluated: 2024-03-26. Review status: criteria provided, single submitter. Criteria: ACMG Guidelines, 2015. Collection method: clinical testing. Allele origin: germline.

Baylor Genetics
Classification: Uncertain significance for Intellectual developmental disorder, autosomal recessive 69. Last evaluated: 2019-10-25. Review status: criteria provided, single submitter. Criteria: ACMG Guidelines, 2015. Collection method: clinical testing. Allele origin: unknown. Affected: yes.
Comment: This variant was determined to be of uncertain significance according to ACMG Guidelines, 2015 [PMID:25741868].

NM_014415.4(ZBTB11):c.709G>A (p.Glu237Lys)

Gene: ZBTB11 (zinc finger and BTB domain containing 11; minus strand). Cytogenetic location: 3q12.3.
Variant type: single nucleotide variant.
Coding change: c.709G>A on transcript NM_014415.4 (MANE Select); coding-DNA position 709, G replaced by A.
Protein change: p.Glu237Lys; replaces glutamic acid 237 with lysine.
Molecular consequence: missense variant.
Genome position (GRCh38, 1-based): chr3:101,671,199, C>T on the plus strand (G>A on the coding strand, the complement: ZBTB11 is on the minus strand). VCF-style: chr3-101671199-C-T. GRCh37 (hg19) VCF-style: chr3-101390043-C-T.
Other names: short protein forms E237K.
Identifiers: ClinVar variation 1027863 (VCV001027863.3), dbSNP rs199936012, ClinGen allele CA2521327.